The following is an entry in ClinVar:

ClinVar aggregate classification (germline): Uncertain significance. Review status: criteria provided, multiple submitters, no conflicts (2 of 4 stars). 2 submissions from 2 submitters: Uncertain significance (2). Last evaluated 2025-10-14.

Conditions:
Heterotopia, periventricular, X-linked dominant (PVNH1). Also called: PERIVENTRICULAR NODULAR HETEROTOPIA 1; X-linked periventricular heterotopia; PERIVENTRICULAR NODULAR HETEROTOPIA 4; HETEROTOPIA, PERIVENTRICULAR, 1. Identifiers: Orphanet 2149, Orphanet 82004, MedGen C1848213, MONDO:0010233, OMIM 300049.
Melnick-Needles syndrome (MNS). Also called: MELNICK-NEEDLES OSTEODYSPLASTY; OSTEODYSPLASTY OF MELNICK AND NEEDLES; Melnick-Needles Syndrome (FLNA-MNS). Identifiers: Orphanet 2484, MedGen C0025237, MONDO:0010650, OMIM 309350.
Frontometaphyseal dysplasia (FMD1). Identifiers: Orphanet 1826, MedGen C0265293, MONDO:0015942.
Oto-palato-digital syndrome, type II (OPD2). Also called: FACIOPALATOOSSEOUS SYNDROME; OPD II SYNDROME; Otopalatodigital Syndrome, Type II; Otopalatodigital Syndrome Type 2 (FLNA-OPD2). Identifiers: Orphanet 669, Orphanet 90652, MedGen C1844696, MONDO:0010571, OMIM 304120.

Allele frequency attached by ClinVar (database versions not stated): gnomAD exomes below 0.00001.
gnomAD v4.1: 5 of 1,211,418 alleles (0.00041%); highest among the groups gnomAD compares: Non-Finnish European, 0.00056%; no homozygotes.

Submissions (2):

Labcorp Genetics (formerly Invitae), Labcorp
Classification: Uncertain significance for Oto-palato-digital syndrome, type II; Heterotopia, periventricular, X-linked dominant; Frontometaphyseal dysplasia; Melnick-Needles syndrome. Last evaluated: 2025-10-14. Review status: criteria provided, single submitter. Criteria: Invitae Variant Classification Sherloc (09022015). Collection method: clinical testing. Allele origin: germline.
Comment: This sequence change replaces alanine, which is neutral and non-polar, with threonine, which is neutral and polar, at codon 1419 of the FLNA protein (p.Ala1419Thr). This variant is not present in population databases (gnomAD no frequency). This variant has not been reported in the literature in individuals affected with FLNA-related conditions. ClinVar contains an entry for this variant (Variation ID: 2683601). Invitae Evidence Modeling of protein sequence and biophysical properties (such as structural, functional, and spatial information, amino acid conservation, physicochemical variation, residue mobility, and thermodynamic stability) indicates that this missense variant is not expected to disrupt FLNA protein function with a negative predictive value of 95%. In summary, the available evidence is currently insufficient to determine the role of this variant in disease. Therefore, it has been classified as a Variant of Uncertain Significance.

Mayo Clinic Laboratories, Mayo Clinic
Classification: Uncertain significance. Last evaluated: 2023-04-20. Review status: criteria provided, single submitter. Criteria: ACMG Guidelines, 2015. Collection method: clinical testing. Allele origin: germline. Observed: 1 variant allele.
Comment: PP2, PM2_supporting

NM_001110556.2(FLNA):c.4255G>A (p.Ala1419Thr)

Gene: FLNA (filamin A; minus strand). Cytogenetic location: Xq28.
Variant type: single nucleotide variant.
Coding change: c.4255G>A on transcript NM_001110556.2 (MANE Select); coding-DNA position 4255, G replaced by A.
Protein change: p.Ala1419Thr; replaces alanine 1419 with threonine.
Molecular consequence: missense variant.
Genome position (GRCh38, 1-based): chrX:154,359,294, C>T on the plus strand (G>A on the coding strand, the complement: FLNA is on the minus strand). VCF-style: chrX-154359294-C-T. GRCh37 (hg19) VCF-style: chrX-153587662-C-T.
Other names: p.Ala1419Thr; c.4255G>A, p.Ala1419Thr (NM_001456.4); short protein forms A1419T.
Identifiers: ClinVar variation 2683601 (VCV002683601.4), dbSNP rs2522737966, ClinGen allele CA415218005.